The following is an entry in ClinVar:

NM_021870.2(FGG):c.1001A>T (p.Asn334Ile)

Gene: FGG (fibrinogen gamma chain; minus strand). Cytogenetic location: 4q32.1.
Variant type: single nucleotide variant.
Coding change: c.1001A>T on transcript NM_021870.2; coding-DNA position 1001, A replaced by T.
Protein change: p.Asn334Ile; replaces asparagine 334 with isoleucine.
Molecular consequence: missense variant (on NM_021870.3).
Genome position (GRCh38, 1-based): chr4:154,606,833, T>A on the plus strand (A>T on the coding strand, the complement: FGG is on the minus strand). VCF-style: chr4-154606833-T-A. GRCh37 (hg19) VCF-style: chr4-155527985-T-A.
Other names: N308I; c.1001A>T, p.Asn334Ile (NM_000509.6, NM_021870.3); c.1001A>T (NM_000509.4); short protein forms N334I.
Identifiers: ClinVar variation 16365 (VCV000016365.7), dbSNP rs121913090, ClinGen allele CA126396.
Genomic context (GRCh38, chr4:154,606,833, plus strand): 5'-TCAGCACAGTTGCCTTCAAACTTATCATTGTCATTGTCCCAGGTACTGAACTGCATGCCA[T>A]TATGGGATGTGAAAAACTTGTCACTAGGATCATCGCCAAAATCAAAGCCATCAAAGGCAT-3'
Protein context (NP_068656.2, residues 324-344): DPSDKFFTSH[Asn334Ile]GMQFSTWDND

ClinVar aggregate classification (germline): Uncertain significance. Review status: criteria provided, multiple submitters, no conflicts (2 of 4 stars). 3 submissions from 3 submitters: Uncertain significance (2). 1 of the submissions does not count toward it. Last evaluated 2024-01-26.

Conditions:
FIBRINOGEN BALTIMORE 3.

Allele frequency attached by ClinVar (database versions not stated): ExAC 0.00001; gnomAD exomes 0.00002 and below 0.00001; gnomAD 0.00003; TOPMed 0.00003; 1000 Genomes Project 30x 0.00016; 1000 Genomes Project 0.00020.
gnomAD v4.1: 10 of 1,613,972 alleles (0.00062%); highest among the groups gnomAD compares: African/African-American, 0.011%; no homozygotes.

Submissions (3):

GeneDx
Classification: Uncertain significance. Last evaluated: 2024-01-26. Review status: criteria provided, single submitter. Criteria: GeneDx Variant Classification Process June 2021. Collection method: clinical testing. Allele origin: germline. Affected: yes.
Comment: In silico analysis supports that this missense variant has a deleterious effect on protein structure/function; Also known as Asn308Ile or Fibrinogen Baltimore III; This variant is associated with the following publications: (PMID: 2328317, 33260935, 3175983)

Labcorp Genetics (formerly Invitae), Labcorp
Classification: Uncertain significance. Last evaluated: 2022-09-22. Review status: criteria provided, single submitter. Criteria: Invitae Variant Classification Sherloc (09022015). Collection method: clinical testing. Allele origin: germline.
Comment: This sequence change replaces asparagine, which is neutral and polar, with isoleucine, which is neutral and non-polar, at codon 334 of the FGG protein (p.Asn334Ile). This variant is present in population databases (rs121913090, gnomAD 0.02%). This missense change has been observed in individual(s) with dysfibrinogenemia (PMID: 2328317, 3175983). This variant is also known as Asn308Ile. ClinVar contains an entry for this variant (Variation ID: 16365). Advanced modeling of protein sequence and biophysical properties (such as structural, functional, and spatial information, amino acid conservation, physicochemical variation, residue mobility, and thermodynamic stability) performed at Invitae indicates that this missense variant is expected to disrupt FGG protein function. In summary, the available evidence is currently insufficient to determine the role of this variant in disease. Therefore, it has been classified as a Variant of Uncertain Significance.

OMIM
Classification: other for FIBRINOGEN BALTIMORE 3. Last evaluated: 2014-09-26. Review status: no assertion criteria provided. Collection method: literature only. Allele origin: germline. Not counted in ClinVar's aggregate classification.

Literature cited by the submitters: PubMed 2328317 (cited by Labcorp Genetics (formerly Invitae), Labcorp and OMIM); PubMed 3175983 (cited by Labcorp Genetics (formerly Invitae), Labcorp and OMIM).